The following is an entry in ClinVar:

ClinVar aggregate classification (germline): Uncertain significance. Review status: criteria provided, multiple submitters, no conflicts (2 of 4 stars). 3 submissions from 3 submitters: Uncertain significance (3). Last evaluated 2025-05-08.

Conditions:
Inborn genetic diseases. Identifiers: MedGen C0950123, MeSH D030342.
KBG syndrome (KBGS). Also called: ANKRD11-Related KBG Syndrome. Identifiers: Orphanet 2332, MedGen C0220687, MONDO:0007846, OMIM 148050.

Submissions (3):

Labcorp Genetics (formerly Invitae), Labcorp
Classification: Uncertain significance for KBG syndrome. Last evaluated: 2025-05-08. Review status: criteria provided, single submitter. Criteria: Invitae Variant Classification Sherloc (09022015). Collection method: clinical testing. Allele origin: germline.
Comment: This variant, c.6063_6071del, results in the deletion of 3 amino acid(s) of the ANKRD11 protein (p.Pro2022_Pro2024del), but otherwise preserves the integrity of the reading frame. This variant is present in population databases (rs771037147, gnomAD 0.01%). This variant has not been reported in the literature in individuals affected with ANKRD11-related conditions. ClinVar contains an entry for this variant (Variation ID: 589132). In summary, the available evidence is currently insufficient to determine the role of this variant in disease. Therefore, it has been classified as a Variant of Uncertain Significance.

GeneDx
Classification: Uncertain significance. Last evaluated: 2023-03-07. Review status: criteria provided, single submitter. Criteria: GeneDx Variant Classification Process June 2021. Collection method: clinical testing. Allele origin: germline. Affected: yes.
Comment: In-frame deletion of 3 amino acids in a non-repeat region; In silico analysis supports that this variant does not alter protein structure/function; Has not been previously published as pathogenic or benign to our knowledge

Ambry Genetics
Classification: Uncertain significance for Inborn genetic diseases. Last evaluated: 2017-05-28. Review status: criteria provided, single submitter. Criteria: Ambry Variant Classification Scheme 2023. Collection method: clinical testing. Allele origin: germline.
Comment: The c.6063_6071delTCCTGCCCC variant (also known as p.P2022_P2024del) is located in coding exon 7 of the ANKRD11 gene. This variant results from an in-frame TCCTGCCCC deletion at nucleotide positions 6063 to 6071. This results in the in-frame deletion of PAP at codons 2022 to 2024. These amino acid positions are conserved on limited sequence alignment. In addition, this alteration is predicted to be neutral by PROVEAN in silico analysis (Choi Y et al., PLoS ONE 2012; 7(10):e46688). Since supporting evidence is limited at this time, the clinical significance of this alteration remains unclear.

NM_013275.6(ANKRD11):c.6063_6071del (p.Pro2022_Pro2024del)

Gene: ANKRD11 (ankyrin repeat domain 11; minus strand). Cytogenetic location: 16q24.3.
Variant type: Deletion.
Coding change: c.6063_6071del on transcript NM_013275.6 (MANE Select); coding-DNA positions 6063 to 6071, 9 bases deleted (TCCTGCCCC; older notation c.6063_6071delTCCTGCCCC).
Protein change: p.Pro2022_Pro2024del.
Molecular consequence: inframe deletion.
Genome position (GRCh38, 1-based): chr16:89,280,471-89,280,479, GGGGCAGGA deleted on the plus strand (TCCTGCCCC on the coding strand, the reverse complement: ANKRD11 is on the minus strand); deleting any 9 consecutive bases within chr16:89,280,471-89,280,480 gives the same sequence; the c. name uses the placement nearest the transcript's 3' end. VCF-style (leftmost placement, unchanged base first): chr16-89280470-CGGGGCAGGA-C. GRCh37 (hg19) VCF-style: chr16-89346878-CGGGGCAGGA-C.
Other names: c.6063_6071del (NM_013275.5); c.6063_6071del, p.Pro2022_Pro2024del (NM_001256182.2, NM_001256183.2).
Identifiers: ClinVar variation 589132 (VCV000589132.8), dbSNP rs771037147, ClinGen allele CA8241607.